The following is an entry in ClinVar:

ClinVar aggregate classification (germline): Benign. Review status: criteria provided, single submitter (1 of 4 stars). 2 submissions from 2 submitters: Benign (1). 1 of the submissions does not count toward it. Last evaluated 2019-10-17.

Conditions:
Ovarian neoplasm. Also called: Ovarian Neoplasms; Neoplasm of ovary; Ovarian tumor. Identifiers: MedGen C0919267, MeSH D010051, MONDO:0021068, HP:0100615.
Leigh syndrome (NULS). Also called: Leigh's syndrome; Leigh Syndrome (mtDNA deletion); Leigh Disease; Subacute necrotizing encephalopathy; Necrotizing encephalopathy infantile subacute of Leigh; LEIGH SYNDROME, NUCLEAR. Identifiers: Orphanet 506, MedGen C2931891, MONDO:0009723, OMIM 256000.

Submissions (2):

Wong Mito Lab, Molecular and Human Genetics, Baylor College of Medicine
Classification: Benign for Leigh syndrome. Last evaluated: 2019-10-17. Review status: criteria provided, single submitter. Criteria: Modified ACMG Guidelines (Unpublished). Collection method: clinical testing. Allele origin: germline.
Comment: The NC_012920.1:m.15884G>A (YP_003024038.1:p.Ala380Thr) variant in MTCYB gene is interpretated to be a Benign variant based on the modified ACMG guidelines (unpublished). This variant meets the following evidence codes: BA1

Department of Zoology Govt. MVM College
Classification: Likely pathogenic for Neoplasm of ovary. Review status: no assertion criteria provided. Collection method: not provided. Allele origin: unknown. Not counted in ClinVar's aggregate classification.
Comment: KM276952
ClinVar note: Converted during submission from probable-pathogenic to Likely pathogenic.

NC_012920.1(MT-CYB):m.15884G>A

Gene: MT-CYB (mitochondrially encoded cytochrome b; plus strand).
Variant type: single nucleotide variant.
Genome position: chrM-15884-G-A.
Identifiers: ClinVar variation 143900 (VCV000143900.3), dbSNP rs527236195, ClinGen allele CA170530.